The following is an entry in ClinVar:

NM_001098.3(ACO2):c.7C>T (p.Pro3Ser)

Gene: ACO2 (aconitase 2; plus strand). Cytogenetic location: 22q13.2.
Variant type: single nucleotide variant.
Coding change: c.7C>T on transcript NM_001098.3 (MANE Select); coding-DNA position 7, C replaced by T.
Protein change: p.Pro3Ser; replaces proline 3 with serine.
Molecular consequence: missense variant.
Genome position (GRCh38, 1-based): chr22:41,469,153, C>T. VCF-style: chr22-41469153-C-T. GRCh37 (hg19) VCF-style: chr22-41865157-C-T.
Other names: short protein forms P3S.
Identifiers: ClinVar variation 1518285 (VCV001518285.6), dbSNP rs758749269, ClinGen allele CA411705553.

ClinVar aggregate classification (germline): Uncertain significance (1 of 4 stars; one submission).

Allele frequency attached by ClinVar (database versions not stated): TOPMed below 0.00001; gnomAD 0.00001.

Submission:

Labcorp Genetics (formerly Invitae), Labcorp
Classification: Uncertain significance. Last evaluated: 2023-05-01. Review status: criteria provided, single submitter. Criteria: Invitae Variant Classification Sherloc (09022015). Collection method: clinical testing. Allele origin: germline.
Comment: In summary, the available evidence is currently insufficient to determine the role of this variant in disease. Therefore, it has been classified as a Variant of Uncertain Significance. An algorithm developed to predict the effect of missense changes on protein structure and function (PolyPhen-2) suggests that this variant is likely to be tolerated. ClinVar contains an entry for this variant (Variation ID: 1518285). This variant has not been reported in the literature in individuals affected with ACO2-related conditions. This variant is not present in population databases (gnomAD no frequency). This sequence change replaces proline, which is neutral and non-polar, with serine, which is neutral and polar, at codon 3 of the ACO2 protein (p.Pro3Ser).